The following is an entry in ClinVar:

ClinVar aggregate classification (germline): Uncertain significance (1 of 4 stars; one submission).

Submission:

GeneDx
Classification: Uncertain significance. Last evaluated: 2023-11-02. Review status: criteria provided, single submitter. Criteria: GeneDx Variant Classification Process June 2021. Collection method: clinical testing. Allele origin: germline. Affected: yes.
Comment: Not observed at significant frequency in large population cohorts (gnomAD); In silico analysis supports that this missense variant has a deleterious effect on protein structure/function; Has not been previously published as pathogenic or benign to our knowledge

NM_004329.3(BMPR1A):c.1159T>C (p.Phe387Leu)

Gene: BMPR1A (bone morphogenetic protein receptor type 1A; plus strand). Cytogenetic location: 10q23.2.
Variant type: single nucleotide variant.
Coding change: c.1159T>C on transcript NM_004329.3 (MANE Select); coding-DNA position 1159, T replaced by C.
Protein change: p.Phe387Leu; replaces phenylalanine 387 with leucine.
Molecular consequence: missense variant. On other transcripts: non-coding transcript variant (3).
Genome position (GRCh38, 1-based): chr10:86,919,462, T>C. VCF-style: chr10-86919462-T-C. GRCh37 (hg19) VCF-style: chr10-88679219-T-C.
Other names: c.1234T>C, p.Phe412Leu (NM_001406559.1); c.1207T>C, p.Phe403Leu (NM_001406560.1); c.1159T>C, p.Phe387Leu (NM_001406561.1, NM_001406562.1, NM_001406563.1 and 19 more transcripts); c.1153T>C, p.Phe385Leu (NM_001406583.1); c.1075T>C, p.Phe359Leu (NM_001406584.1, NM_001406585.1, NM_001406586.1 and 2 more transcripts); c.817T>C, p.Phe273Leu (NM_001406589.1); short protein forms F273L, F359L, F385L, F387L, F403L, F412L.
Identifiers: ClinVar variation 3363750 (VCV003363750.1).